The following is an entry in ClinVar:

ClinVar aggregate classification (germline): Uncertain significance (1 of 4 stars; one submission).

gnomAD v4.1: 10 of 1,610,614 alleles (0.00062%); highest among the groups gnomAD compares: East Asian, 0.0022%; no homozygotes.

Submission:

GeneDx
Classification: Uncertain significance. Last evaluated: 2024-12-08. Review status: criteria provided, single submitter. Criteria: GeneDx Variant Classification Process June 2021. Collection method: clinical testing. Allele origin: germline. Affected: yes.
Comment: Not observed at significant frequency in large population cohorts (gnomAD); In silico analysis supports that this missense variant has a deleterious effect on protein structure/function; Has not been previously published as pathogenic or benign to our knowledge

NM_001020658.2(PUM1):c.889C>T (p.Arg297Cys)

Gene: PUM1 (pumilio RNA binding family member 1; minus strand). Cytogenetic location: 1p35.2.
Variant type: single nucleotide variant.
Coding change: c.889C>T on transcript NM_001020658.2 (MANE Select); coding-DNA position 889, C replaced by T.
Protein change: p.Arg297Cys; replaces arginine 297 with cysteine.
Molecular consequence: missense variant.
Genome position (GRCh38, 1-based): chr1:30,992,659, G>A on the plus strand (C>T on the coding strand, the complement: PUM1 is on the minus strand). VCF-style: chr1-30992659-G-A. GRCh37 (hg19) VCF-style: chr1-31465506-G-A.
Other names: c.889C>T, p.Arg297Cys (NM_014676.3); short protein forms R297C.
Identifiers: ClinVar variation 3901572 (VCV003901572.1).